The following is an entry in ClinVar:

NM_006267.5(RANBP2):c.8297C>G (p.Ser2766Cys)

Gene: RANBP2 (RAN binding protein 2; plus strand). Cytogenetic location: 2q13.
Variant type: single nucleotide variant.
Coding change: c.8297C>G on transcript NM_006267.5 (MANE Select); coding-DNA position 8297, C replaced by G.
Protein change: p.Ser2766Cys; replaces serine 2766 with cysteine.
Molecular consequence: missense variant.
Genome position (GRCh38, 1-based): chr2:108,775,736, C>G. VCF-style: chr2-108775736-C-G. GRCh37 (hg19) VCF-style: chr2-109392192-C-G.
Other names: c.8375C>G, p.Ser2792Cys (NM_001415871.1); c.8294C>G, p.Ser2765Cys (NM_001415872.1); c.8321C>G, p.Ser2774Cys (NM_001415873.1); short protein forms S2774C, S2792C, S2766C, S2765C.
Identifiers: ClinVar variation 5002967 (VCV005002967.1).

ClinVar aggregate classification (germline): Uncertain significance (1 of 4 stars; one submission).

Conditions:
Familial acute necrotizing encephalopathy (IIAE3). Also called: ENCEPHALOPATHY, ACUTE, INFECTION-INDUCED, SUSCEPTIBILITY TO, 3; Susceptibility to Acute Necrotizing Encephalopathy 1. Identifiers: Orphanet 88619, MedGen C2675556, MONDO:0011953, OMIM 608033.

gnomAD v4.1: 4 of 1,613,594 alleles (0.00025%); highest among the groups gnomAD compares: East Asian, 0.0022%; no homozygotes.

Submission:

OLLIN Analises Genomicas, OLLIN
Classification: Uncertain significance for Familial acute necrotizing encephalopathy. Last evaluated: 2026-08-06. Review status: criteria provided, single submitter. Criteria: ACMG Guidelines 2015 PMID 25741868. Collection method: clinical testing. Allele origin: germline.
Comment: This missense variant, located in exon 24 (of 29), has been observed in gnomAD with an allele frequency of 0.000062%, but has not been reported in ClinVar or identified in the literature. In silico analysis predicts that this variant has a tolerated effect. According to the currently available evidence, this variant has been classified as uncertain significance (PM2_P, BP4_M).